The following is an entry in ClinVar:

ClinVar aggregate classification (germline): Uncertain significance (1 of 4 stars; one submission).

Conditions:
Oculofaciocardiodental syndrome (MCOPS2). Identifiers: Orphanet 2712, MedGen C1846265, MONDO:0010261, OMIM 300166.

gnomAD v4.1: 17 of 1,210,848 alleles (0.0014%); highest among the groups gnomAD compares: Non-Finnish European, 0.0019%; no homozygotes.

Submission:

Labcorp Genetics (formerly Invitae), Labcorp
Classification: Uncertain significance for Oculofaciocardiodental syndrome. Last evaluated: 2024-03-04. Review status: criteria provided, single submitter. Criteria: Invitae Variant Classification Sherloc (09022015). Collection method: clinical testing. Allele origin: germline.
Comment: This sequence change replaces methionine, which is neutral and non-polar, with leucine, which is neutral and non-polar, at codon 22 of the BCOR protein (p.Met22Leu). The frequency data for this variant in the population databases is considered unreliable, as metrics indicate poor data quality at this position in the gnomAD database. This variant has not been reported in the literature in individuals affected with BCOR-related conditions. An algorithm developed to predict the effect of missense changes on protein structure and function (PolyPhen-2) suggests that this variant is likely to be disruptive. In summary, the available evidence is currently insufficient to determine the role of this variant in disease. Therefore, it has been classified as a Variant of Uncertain Significance.

NM_001123385.2(BCOR):c.64A>C (p.Met22Leu)

Gene: BCOR (BCL6 corepressor; minus strand). Cytogenetic location: Xp11.4.
Variant type: single nucleotide variant.
Coding change: c.64A>C on transcript NM_001123385.2 (MANE Select); coding-DNA position 64, A replaced by C.
Protein change: p.Met22Leu; replaces methionine 22 with leucine.
Molecular consequence: missense variant.
Genome position (GRCh38, 1-based): chrX:40,077,866, T>G on the plus strand (A>C on the coding strand, the complement: BCOR is on the minus strand). VCF-style: chrX-40077866-T-G. GRCh37 (hg19) VCF-style: chrX-39937119-T-G.
Other names: c.64A>C, p.Met22Leu (NM_001123383.2, NM_001123384.2, NM_017745.6); short protein forms M22L.
Identifiers: ClinVar variation 3714269 (VCV003714269.2).